The following is an entry in ClinVar:

NM_213655.5(WNK1):c.3088_3091del (p.Val1030fs)

Gene: WNK1 (WNK lysine deficient protein kinase 1; plus strand). Cytogenetic location: 12p13.33.
Variant type: Deletion.
Coding change: c.3088_3091del on transcript NM_213655.5 (MANE Plus Clinical); coding-DNA positions 3088 to 3091, 4 bases deleted (GTCT; older notation c.3088_3091delGTCT).
Protein change: p.Val1030fs; shifts the reading frame from valine 1030.
Molecular consequence: frameshift variant. On other transcripts: intron variant (2).
Genome position (GRCh38, 1-based): chr12:868,559-868,562, GTCT deleted; deleting any 4 consecutive bases within chr12:868,557-868,562 gives the same sequence; the c. name uses the placement nearest the transcript's 3' end. VCF-style (leftmost placement, unchanged base first): chr12-868556-CCTGT-C. GRCh37 (hg19) VCF-style: chr12-977722-CCTGT-C.
Other names: c.2833_2836del, p.Val945fs (NM_001184985.2); c.2140-2706_2140-2703del (NM_018979.4, NM_014823.3); short protein forms V1030fs, V945fs.
Identifiers: ClinVar variation 1075747 (VCV001075747.7), dbSNP rs2154071927, ClinGen allele CA2499221859.

ClinVar aggregate classification (germline): Pathogenic (1 of 4 stars; one submission).

Conditions:
Neuropathy, hereditary sensory and autonomic, type 2A (HSAN2A). Also called: MORVAN DISEASE; NEUROPATHY, CONGENITAL SENSORY; NEUROPATHY, HEREDITARY SENSORY RADICULAR, AUTOSOMAL RECESSIVE; NEUROPATHY, HEREDITARY SENSORY, TYPE IIA; NEUROPATHY, PROGRESSIVE SENSORY, OF CHILDREN; WNK1-Related HSAN2 (HSAN2A). Identifiers: Orphanet 970, MedGen C2752089, MONDO:0024309, OMIM 201300.
Pseudohypoaldosteronism type 2C (PHA2C). Also called: Pseudohypoaldosteronism Type IIC. Identifiers: Orphanet 757, Orphanet 88940, MedGen C1840391, MONDO:0013778, OMIM 614492.

Submission:

Labcorp Genetics (formerly Invitae), Labcorp
Classification: Pathogenic for Neuropathy, hereditary sensory and autonomic, type 2A; Pseudohypoaldosteronism type 2C. Last evaluated: 2020-04-22. Review status: criteria provided, single submitter. Criteria: Invitae Variant Classification Sherloc (09022015). Collection method: clinical testing. Allele origin: germline.
Comment: For these reasons, this variant has been classified as Pathogenic. Loss-of-function variants in WNK1 are known to be pathogenic (PMID: 22910560). This variant has not been reported in the literature in individuals with WNK1-related conditions. This variant is not present in population databases (ExAC no frequency). This sequence change creates a premature translational stop signal (p.Val1030Leufs*10) in the WNK1 gene. It is expected to result in an absent or disrupted protein product.

Literature cited by the submitters: PubMed 22910560.